The following is an entry in ClinVar:

NM_021831.6(AGBL5):c.2444G>C (p.Arg815Thr)

Gene: AGBL5 (AGBL carboxypeptidase 5; plus strand). Cytogenetic location: 2p23.3.
Variant type: single nucleotide variant.
Coding change: c.2444G>C on transcript NM_021831.6 (MANE Select); coding-DNA position 2444, G replaced by C.
Protein change: p.Arg815Thr; replaces arginine 815 with threonine.
Molecular consequence: missense variant. On other transcripts: non-coding transcript variant (2).
Genome position (GRCh38, 1-based): chr2:27,069,661, G>C. VCF-style: chr2-27069661-G-C. GRCh37 (hg19) VCF-style: chr2-27292529-G-C.
Other names: c.2444G>C (NM_021831.5); short protein forms R815T.
Identifiers: ClinVar variation 1054166 (VCV001054166.7), dbSNP rs367995205, ClinGen allele CA1568258.

ClinVar aggregate classification (germline): Uncertain significance. Review status: criteria provided, multiple submitters, no conflicts (2 of 4 stars). 2 submissions from 2 submitters: Uncertain significance (2). Last evaluated 2022-03-10.

Conditions:
Inborn genetic diseases. Identifiers: MedGen C0950123, MeSH D030342.

Allele frequency attached by ClinVar (database versions not stated): ExAC 0.00003; ESP Exome Variant Server 0.00008.
gnomAD v4.1: 17 of 1,613,992 alleles (0.0011%); highest among the groups gnomAD compares: Middle Eastern, 0.066%; no homozygotes.

Submissions (2):

Labcorp Genetics (formerly Invitae), Labcorp
Classification: Uncertain significance. Last evaluated: 2022-03-10. Review status: criteria provided, single submitter. Criteria: Invitae Variant Classification Sherloc (09022015). Collection method: clinical testing. Allele origin: germline.
Comment: This sequence change replaces arginine, which is basic and polar, with threonine, which is neutral and polar, at codon 815 of the AGBL5 protein (p.Arg815Thr). This variant is present in population databases (rs367995205, gnomAD 0.006%). This variant has not been reported in the literature in individuals affected with AGBL5-related conditions. ClinVar contains an entry for this variant (Variation ID: 1054166). Algorithms developed to predict the effect of missense changes on protein structure and function are either unavailable or do not agree on the potential impact of this missense change (SIFT: "Deleterious"; PolyPhen-2: "Benign"; Align-GVGD: "Class C0"). Algorithms developed to predict the effect of sequence changes on RNA splicing suggest that this variant may create or strengthen a splice site. In summary, the available evidence is currently insufficient to determine the role of this variant in disease. Therefore, it has been classified as a Variant of Uncertain Significance.

Ambry Genetics
Classification: Uncertain significance for Inborn genetic diseases. Last evaluated: 2021-10-22. Review status: criteria provided, single submitter. Criteria: Ambry Variant Classification Scheme 2023. Collection method: clinical testing. Allele origin: germline.